The following is an entry in ClinVar:

ClinVar aggregate classification (germline): Uncertain significance. Review status: criteria provided, multiple submitters, no conflicts (2 of 4 stars). 2 submissions from 2 submitters: Uncertain significance (2). Last evaluated 2022-09-04.

Conditions:
Hereditary cancer-predisposing syndrome. Also called: Tumor predisposition; Hereditary neoplastic syndrome; Neoplastic Syndromes, Hereditary; Hereditary Cancer Syndrome. Identifiers: Orphanet 140162, MedGen C0027672, MeSH D009386, MONDO:0015356.
Hereditary breast ovarian cancer syndrome. Also called: Hereditary breast and ovarian cancer syndrome (HBOC); Breast and ovarian cancer; BRCA1- and BRCA2-Associated Hereditary Breast and Ovarian Cancer; Hereditary breast and/or ovarian cancer syndrome; Hereditary breast and ovarian cancer syndrome; Hereditary breast and ovarian cancer. Identifiers: Orphanet 145, MedGen C0677776, MeSH D061325, MONDO:0003582. Disease mechanism: loss of function.

Submissions (2):

Labcorp Genetics (formerly Invitae), Labcorp
Classification: Uncertain significance for Hereditary breast ovarian cancer syndrome. Last evaluated: 2022-09-04. Review status: criteria provided, single submitter. Criteria: Invitae Variant Classification Sherloc (09022015). Collection method: clinical testing. Allele origin: germline.
Comment: This sequence change replaces threonine, which is neutral and polar, with asparagine, which is neutral and polar, at codon 3349 of the BRCA2 protein (p.Thr3349Asn). This variant is not present in population databases (gnomAD no frequency). This variant has not been reported in the literature in individuals affected with BRCA2-related conditions. ClinVar contains an entry for this variant (Variation ID: 818249). Advanced modeling of protein sequence and biophysical properties (such as structural, functional, and spatial information, amino acid conservation, physicochemical variation, residue mobility, and thermodynamic stability) performed at Invitae indicates that this missense variant is not expected to disrupt BRCA2 protein function. RNA analysis performed to evaluate the impact of this missense change on mRNA splicing indicates it does not significantly alter splicing (Invitae). In summary, the available evidence is currently insufficient to determine the role of this variant in disease. Therefore, it has been classified as a Variant of Uncertain Significance.

Ambry Genetics
Classification: Uncertain significance for Hereditary cancer-predisposing syndrome. Last evaluated: 2018-08-02. Review status: criteria provided, single submitter. Criteria: Ambry Variant Classification Scheme 2023. Collection method: clinical testing. Allele origin: germline.
Comment: The p.T3349N variant (also known as c.10046C>A), located in coding exon 26 of the BRCA2 gene, results from a C to A substitution at nucleotide position 10046. The threonine at codon 3349 is replaced by asparagine, an amino acid with similar properties. This amino acid position is highly conserved in available vertebrate species. In addition, this alteration is predicted to be tolerated by in silico analysis. Since supporting evidence is limited at this time, the clinical significance of this alteration remains unclear.

NM_000059.4(BRCA2):c.10046C>A (p.Thr3349Asn)

Gene: BRCA2 (BRCA2 DNA repair associated; plus strand). Cytogenetic location: 13q13.1.
Variant type: single nucleotide variant.
Coding change: c.10046C>A on transcript NM_000059.4 (MANE Select); coding-DNA position 10046, C replaced by A.
Protein change: p.Thr3349Asn; replaces threonine 3349 with asparagine.
Molecular consequence: missense variant.
Genome position (GRCh38, 1-based): chr13:32,398,559, C>A. VCF-style: chr13-32398559-C-A. GRCh37 (hg19) VCF-style: chr13-32972696-C-A.
Other names: short protein forms T3349N.
Identifiers: ClinVar variation 818249 (VCV000818249.10), dbSNP rs1593202211, ClinGen allele CA387767820.